The following is an entry in ClinVar:

NM_178857.6(RP1L1):c.5139C>T (p.Thr1713=)

Gene: RP1L1 (RP1 like 1). Cytogenetic location: 8p23.1.
Variant type: single nucleotide variant.
Coding change: c.5139C>T on transcript NM_178857.6 (MANE Select); coding-DNA position 5139, C replaced by T.
Protein change: p.Thr1713=; no amino-acid change (threonine 1713 retained).
Molecular consequence: synonymous variant.
Genome position (GRCh38, 1-based): chr8:10,608,959, G>A on the plus strand (C>T on the coding strand, the complement: RP1L1 is on the minus strand). VCF-style: chr8-10608959-G-A. GRCh37 (hg19) VCF-style: chr8-10466469-G-A.
Other names: c.5139C>T (NM_178857.5).
Identifiers: ClinVar variation 4898993 (VCV004898993.2).

ClinVar aggregate classification (germline): Likely benign. Review status: criteria provided, multiple submitters, no conflicts (2 of 4 stars). 2 submissions from 2 submitters: Likely benign (2). Last evaluated 2026-04-13.

Conditions:
RP1L1-related disorder. Also called: RP1L1-related condition.

gnomAD v4.1: 140 of 1,613,698 alleles (0.0087%); highest among the groups gnomAD compares: African/African-American, 0.16%; 1 homozygote.

Submissions (2):

PreventionGenetics, part of Exact Sciences
Classification: Likely benign for RP1L1-related condition. Last evaluated: 2026-04-13. Review status: criteria provided, single submitter. Criteria: ACMG Guidelines, 2015. Collection method: clinical testing. Allele origin: germline.
Comment: This variant is classified as likely benign based on ACMG/AMP sequence variant interpretation guidelines (Richards et al. 2015 PMID: 25741868, with internal and published modifications).

Blueprint Genetics
Classification: Likely benign. Last evaluated: 2024-06-20. Review status: criteria provided, single submitter. Criteria: ACMG Guidelines, 2015. Collection method: clinical testing. Allele origin: germline.